The following is an entry in ClinVar:

NM_001291303.3(FAT4):c.4273A>G (p.Ile1425Val)

Gene: FAT4 (FAT atypical cadherin 4; plus strand). Cytogenetic location: 4q28.1.
Variant type: single nucleotide variant.
Coding change: c.4273A>G on transcript NM_001291303.3 (MANE Select); coding-DNA position 4273, A replaced by G.
Protein change: p.Ile1425Val; replaces isoleucine 1425 with valine.
Molecular consequence: missense variant.
Genome position (GRCh38, 1-based): chr4:125,320,684, A>G. VCF-style: chr4-125320684-A-G. GRCh37 (hg19) VCF-style: chr4-126241839-A-G.
Other names: c.4273A>G, p.Ile1425Val (NM_001291285.3, NM_024582.6); short protein forms I1425V.
Identifiers: ClinVar variation 1307473 (VCV001307473.3), dbSNP rs774883256, ClinGen allele CA3072438.
Genomic context (GRCh38, chr4:125,320,684, plus strand): 5'-TCAGTGGTTATTCACGTGAGGGACTTTAATGACAATCCTCCTAGCTTTCCTCCTGGAGAT[A>G]TTTTCAAGTCTATTGTTGAGAACATTCCCATCGGTACATCTGTCATTTCAGTGACTGCAC-3'
Protein context (NP_001278232.1, residues 1415-1435): DNPPSFPPGD[Ile1425Val]FKSIVENIPI

ClinVar aggregate classification (germline): Uncertain significance. Review status: criteria provided, multiple submitters, no conflicts (2 of 4 stars). 2 submissions from 2 submitters: Uncertain significance (2). Last evaluated 2025-09-08.

Conditions:
Inborn genetic diseases. Identifiers: MedGen C0950123, MeSH D030342.

Allele frequency attached by ClinVar (database versions not stated): gnomAD exomes below 0.00001; ExAC 0.00001; gnomAD 0.00001.
gnomAD v4.1: 5 of 1,613,806 alleles (0.00031%); highest among the groups gnomAD compares: African/African-American, 0.0013%; no homozygotes.

Submissions (2):

Ambry Genetics
Classification: Uncertain significance for Inborn genetic diseases. Last evaluated: 2025-09-08. Review status: criteria provided, single submitter. Criteria: Ambry Variant Classification Scheme 2023. Collection method: clinical testing. Allele origin: germline.

GeneDx
Classification: Uncertain significance. Last evaluated: 2019-03-15. Review status: criteria provided, single submitter. Criteria: GeneDx Variant Classification Process June 2021. Collection method: clinical testing. Allele origin: germline. Affected: yes.
Comment: Not observed at a significant frequency in large population cohorts (Lek et al., 2016; McVean et al., 2012; Exome Variant Server); In silico analysis, which includes protein predictors and evolutionary conservation, supports that this variant does not alter protein structure/function; Has not been previously published as pathogenic or benign to our knowledge